The following is an entry in ClinVar:

NM_001085487.3(MYSM1):c.2093A>G (p.Asn698Ser)

Gene: MYSM1 (Myb like, SWIRM and MPN domains 1; minus strand). Cytogenetic location: 1p32.1.
Variant type: single nucleotide variant.
Coding change: c.2093A>G on transcript NM_001085487.3 (MANE Select); coding-DNA position 2093, A replaced by G.
Protein change: p.Asn698Ser; replaces asparagine 698 with serine.
Molecular consequence: missense variant.
Genome position (GRCh38, 1-based): chr1:58,665,570, T>C on the plus strand (A>G on the coding strand, the complement: MYSM1 is on the minus strand). VCF-style: chr1-58665570-T-C. GRCh37 (hg19) VCF-style: chr1-59131242-T-C.
Other names: short protein forms N698S.
Identifiers: ClinVar variation 4767891 (VCV004767891.1).
Genomic context (GRCh38, chr1:58,665,570, plus strand): 5'-TCTGGGCTAATTTCCTCACTTATAACCAGGCAGGTAATCTGAGAATATGGTAAGGGATTA[T>C]TTCGATTATAGGGACTAACAATCATCCCAATGAACTTTGCACCTCCTCTGGAGAAGTAAC-3'
Protein context (NP_001078956.1, residues 688-708): IGMIVSPYNR[Asn698Ser]NPLPYSQITC

ClinVar aggregate classification (germline): Uncertain significance (1 of 4 stars; one submission).

Submission:

Labcorp Genetics (formerly Invitae), Labcorp
Classification: Uncertain significance. Last evaluated: 2025-08-19. Review status: criteria provided, single submitter. Criteria: Invitae Variant Classification Sherloc (09022015). Collection method: clinical testing. Allele origin: germline.
Comment: This sequence change replaces asparagine, which is neutral and polar, with serine, which is neutral and polar, at codon 698 of the MYSM1 protein (p.Asn698Ser). This variant is present in population databases (rs746869330, gnomAD 0.003%). This variant has not been reported in the literature in individuals affected with MYSM1-related conditions. Invitae Evidence Modeling of protein sequence and biophysical properties (such as structural, functional, and spatial information, amino acid conservation, physicochemical variation, residue mobility, and thermodynamic stability) indicates that this missense variant is not expected to disrupt MYSM1 protein function with a negative predictive value of 80%. In summary, the available evidence is currently insufficient to determine the role of this variant in disease. Therefore, it has been classified as a Variant of Uncertain Significance.